The following is an entry in ClinVar:

NM_012472.6(DNAAF11):c.1084AGT[1] (p.Ser364del)

Gene: DNAAF11 (dynein axonemal assembly factor 11; minus strand). Cytogenetic location: 8q24.22.
Variant type: Microsatellite.
Coding change: c.1084AGT[1] on transcript NM_012472.6 (MANE Select); one copy of the 3-base unit AGT starting at c.1084; the reference has two copies in a row; one copy, 3 bases deleted.
Protein change: p.Ser364del; deletes serine 364.
Molecular consequence: inframe deletion. On other transcripts: non-coding transcript variant (10).
Genome position (GRCh38, 1-based): chr8:132,610,217-132,610,219, ACT deleted on the plus strand (AGT on the coding strand, the reverse complement: DNAAF11 is on the minus strand); deleting any 3 consecutive bases within chr8:132,610,217-132,610,223 gives the same sequence; the position shown is the placement nearest the transcript's 3' end. VCF-style (leftmost placement, unchanged base first): chr8-132610216-AACT-A. GRCh37 (hg19) VCF-style: chr8-133622462-AACT-A.
Other names: c.1024AGT[1], p.Ser344del (NM_001321961.2); c.838AGT[1], p.Ser282del (NM_001321962.2); c.724AGT[1], p.Ser244del (NM_001321963.2, NM_001321964.2, NM_001321965.2); c.664AGT[1], p.Ser224del (NM_001321966.2); short protein forms S364del, S344del, S224del, S244del, S282del.
Identifiers: ClinVar variation 473102 (VCV000473102.8), dbSNP rs1554679225, ClinGen allele CA658657828.
Genomic context (GRCh38, chr8:132,610,216, plus strand): 5'-CATGACCTACCTTGGGCATGCAGATGACCAAATGACCCGTTGTCTGAGATCTTTTAGCAG[AACT>A]ACTATCGGGTTTCACTTCTGCAGGAAGGACAAGCTGAAATGGCTGAAAATAAGTAGAAAG-3'

ClinVar aggregate classification (germline): Uncertain significance (1 of 4 stars; one submission).

Conditions:
Primary ciliary dyskinesia 19. Also called: CILIARY DYSKINESIA, PRIMARY, 19, WITH OR WITHOUT SITUS INVERSUS. Identifiers: Orphanet 244, MedGen C3543826, MONDO:0013979, OMIM 614935.

Submission:

Labcorp Genetics (formerly Invitae), Labcorp
Classification: Uncertain significance for Primary ciliary dyskinesia 19. Last evaluated: 2017-03-06. Review status: criteria provided, single submitter. Criteria: Invitae Variant Classification Sherloc (09022015). Collection method: clinical testing. Allele origin: germline.
Comment: In summary, this is a novel in-frame deletion with uncertain impact on protein function. It has been classified as a Variant of Uncertain Significance. Experimental studies and prediction algorithms are not available for this variant, and the functional significance of the deleted amino acid is currently unknown. This variant is not present in population databases (ExAC no frequency) and has not been reported in the literature in individuals with a LRRC6-related disease. This sequence change deletes 3 nucleotides from exon 10 of the LRRC6 mRNA (c.1087_1089delAGT). This leads to the deletion of 1 amino acid residue in the LRRC6 protein (p.Ser364del) but otherwise preserves the integrity of the reading frame.